The following is an entry in ClinVar:

NM_001846.4(COL4A2):c.1268G>A (p.Gly423Asp)

Gene: COL4A2 (collagen type IV alpha 2 chain; plus strand). Cytogenetic location: 13q34.
Variant type: single nucleotide variant.
Coding change: c.1268G>A on transcript NM_001846.4 (MANE Select); coding-DNA position 1268, G replaced by A.
Protein change: p.Gly423Asp; replaces glycine 423 with aspartic acid.
Molecular consequence: missense variant.
Genome position (GRCh38, 1-based): chr13:110,450,383, G>A. VCF-style: chr13-110450383-G-A. GRCh37 (hg19) VCF-style: chr13-111102730-G-A.
Other names: short protein forms G423D.
Identifiers: ClinVar variation 1503751 (VCV001503751.7), dbSNP rs2139481315, ClinGen allele CA388734580.

ClinVar aggregate classification (germline): Uncertain significance. Review status: criteria provided, multiple submitters, no conflicts (2 of 4 stars). 2 submissions from 2 submitters: Uncertain significance (2). Last evaluated 2025-06-20.

Conditions:
Brain small vessel disease 2A, autosomal dominant. Also called: Porencephaly 2. Identifiers: Orphanet 2940, Orphanet 99810, MedGen C3280970, MONDO:0013773, OMIM 614483.

Submissions (2):

Institute of Human Genetics, University of Leipzig Medical Center
Classification: Uncertain significance for Brain small vessel disease 2A, autosomal dominant. Last evaluated: 2025-06-20. Review status: criteria provided, single submitter. Criteria: ACMG Guidelines, 2015. Collection method: clinical testing. Allele origin: unknown. Inheritance: Autosomal dominant inheritance. Affected: yes.
Comment: Criteria applied: PM1,PM2,PP3

Labcorp Genetics (formerly Invitae), Labcorp
Classification: Uncertain significance. Last evaluated: 2021-09-29. Review status: criteria provided, single submitter. Criteria: Invitae Variant Classification Sherloc (09022015). Collection method: clinical testing. Allele origin: germline.
Comment: This sequence change replaces glycine with aspartic acid at codon 423 of the COL4A2 protein (p.Gly423Asp). The glycine residue is highly conserved and there is a moderate physicochemical difference between glycine and aspartic acid. This variant is not present in population databases (ExAC no frequency). This variant has been observed in individual(s) with clinical features of brain small vessel disease (Invitae). Advanced modeling of protein sequence and biophysical properties (such as structural, functional, and spatial information, amino acid conservation, physicochemical variation, residue mobility, and thermodynamic stability) performed at Invitae indicates that this missense variant is expected to disrupt COL4A2 protein function. In summary, the available evidence is currently insufficient to determine the role of this variant in disease. Therefore, it has been classified as a Variant of Uncertain Significance.